The following is an entry in ClinVar:

ClinVar aggregate classification (germline): Uncertain significance (1 of 4 stars; one submission).

Conditions:
Inborn genetic diseases. Identifiers: MedGen C0950123, MeSH D030342.

gnomAD v4.1: 2 of 1,614,156 alleles (0.00012%); highest among the groups gnomAD compares: Non-Finnish European, 0.00017%; no homozygotes.

Submission:

Ambry Genetics
Classification: Uncertain significance for Inborn genetic diseases. Last evaluated: 2025-02-04. Review status: criteria provided, single submitter. Criteria: Ambry Variant Classification Scheme 2023. Collection method: clinical testing. Allele origin: germline.
Comment: The p.S1450N variant (also known as c.4349G>A), located in coding exon 13 of the ASXL1 gene, results from a G to A substitution at nucleotide position 4349. The serine at codon 1450 is replaced by asparagine, an amino acid with highly similar properties. This amino acid position is conserved. In addition, this alteration is predicted to be tolerated by in silico analysis. Based on the available evidence, the clinical significance of this variant remains unclear.

NM_015338.6(ASXL1):c.4349G>A (p.Ser1450Asn)

Gene: ASXL1 (ASXL transcriptional regulator 1; plus strand). Cytogenetic location: 20q11.21.
Variant type: single nucleotide variant.
Coding change: c.4349G>A on transcript NM_015338.6 (MANE Select); coding-DNA position 4349, G replaced by A.
Protein change: p.Ser1450Asn; replaces serine 1450 with asparagine.
Molecular consequence: missense variant.
Genome position (GRCh38, 1-based): chr20:32,437,061, G>A. VCF-style: chr20-32437061-G-A. GRCh37 (hg19) VCF-style: chr20-31024864-G-A.
Other names: c.4166G>A, p.Ser1389Asn (NM_001363734.1); short protein forms S1389N, S1450N.
Identifiers: ClinVar variation 3793205 (VCV003793205.1).